The following is an entry in ClinVar:

NM_000732.6(CD3D):c.262G>A (p.Val88Ile)

Gene: CD3D (CD3 delta subunit of T-cell receptor complex; minus strand). Cytogenetic location: 11q23.3.
Variant type: single nucleotide variant.
Coding change: c.262G>A on transcript NM_000732.6 (MANE Select); coding-DNA position 262, G replaced by A.
Protein change: p.Val88Ile; replaces valine 88 with isoleucine.
Molecular consequence: missense variant.
Genome position (GRCh38, 1-based): chr11:118,340,387, C>T on the plus strand (G>A on the coding strand, the complement: CD3D is on the minus strand). VCF-style: chr11-118340387-C-T. GRCh37 (hg19) VCF-style: chr11-118211102-C-T.
Other names: c.262G>A, p.Val88Ile (NM_001040651.2); short protein forms V88I.
Identifiers: ClinVar variation 844932 (VCV000844932.8), dbSNP rs200260087, ClinGen allele CA6301962.
Genomic context (GRCh38, chr11:118,340,387, plus strand): 5'-TCCAGAAGCCCTATCCATTCCAACCCAAAGGGTTCAGGAAGCACGTACTTCGATAATGAA[C>T]TTGCACGGTAGATTCTTTGTCCTTGTATATATCTGTCCCATTACACCTATATATTCCTCG-3'
Protein context (NP_000723.1, residues 78-98): IYKDKESTVQ[Val88Ile]HYRMCQSCVE

ClinVar aggregate classification (germline): Uncertain significance. Review status: criteria provided, multiple submitters, no conflicts (2 of 4 stars). 2 submissions from 2 submitters: Uncertain significance (2). Last evaluated 2024-10-25.

Conditions:
Inborn genetic diseases. Identifiers: MedGen C0950123, MeSH D030342.
Immunodeficiency 19 (IMD19). Also called: CD3-DELTA DEFICIENCY; SEVERE COMBINED IMMUNODEFICIENCY, T CELL-NEGATIVE, B CELL-POSITIVE, NK CELL-POSITIVE; SCID, T CELL-NEGATIVE, B CELL-POSITIVE, NK CELL-POSITIVE; IMMUNODEFICIENCY 19, SEVERE COMBINED. Identifiers: MedGen C3810147, MONDO:0014280, OMIM 615617.

Allele frequency attached by ClinVar (database versions not stated): gnomAD 0.00002; TOPMed 0.00002; gnomAD exomes below 0.00001; ExAC 0.00001.
gnomAD v4.1: 21 of 1,613,634 alleles (0.0013%); highest among the groups gnomAD compares: Non-Finnish European, 0.0017%; no homozygotes.

Submissions (2):

Ambry Genetics
Classification: Uncertain significance for Inborn genetic diseases. Last evaluated: 2024-10-25. Review status: criteria provided, single submitter. Criteria: Ambry Variant Classification Scheme 2023. Collection method: clinical testing. Allele origin: germline.

Labcorp Genetics (formerly Invitae), Labcorp
Classification: Uncertain significance for Immunodeficiency 19. Last evaluated: 2022-02-25. Review status: criteria provided, single submitter. Criteria: Invitae Variant Classification Sherloc (09022015). Collection method: clinical testing. Allele origin: germline.
Comment: This sequence change replaces valine, which is neutral and non-polar, with isoleucine, which is neutral and non-polar, at codon 88 of the CD3D protein (p.Val88Ile). This variant is present in population databases (rs200260087, gnomAD 0.004%). This variant has not been reported in the literature in individuals affected with CD3D-related conditions. ClinVar contains an entry for this variant (Variation ID: 844932). Algorithms developed to predict the effect of missense changes on protein structure and function output the following: SIFT: "Tolerated"; PolyPhen-2: "Benign"; Align-GVGD: "Class C0". The isoleucine amino acid residue is found in multiple mammalian species, which suggests that this missense change does not adversely affect protein function. In summary, the available evidence is currently insufficient to determine the role of this variant in disease. Therefore, it has been classified as a Variant of Uncertain Significance.